The following is an entry in ClinVar:

NM_182914.3(SYNE2):c.10688G>A (p.Arg3563Gln)

Gene: SYNE2 (spectrin repeat containing nuclear envelope protein 2; plus strand). Cytogenetic location: 14q23.2.
Variant type: single nucleotide variant.
Coding change: c.10688G>A on transcript NM_182914.3 (MANE Select); coding-DNA position 10688, G replaced by A.
Protein change: p.Arg3563Gln; replaces arginine 3563 with glutamine.
Molecular consequence: missense variant.
Genome position (GRCh38, 1-based): chr14:64,070,901, G>A. VCF-style: chr14-64070901-G-A. GRCh37 (hg19) VCF-style: chr14-64537619-G-A.
Other names: c.10688G>A (NM_182914.2); c.10688G>A, p.Arg3563Gln (NM_015180.6); short protein forms R3563Q.
Identifiers: ClinVar variation 1967863 (VCV001967863.3), dbSNP rs201284275, ClinGen allele CA7221576.

ClinVar aggregate classification (germline): Uncertain significance. Review status: criteria provided, multiple submitters, no conflicts (2 of 4 stars). 2 submissions from 2 submitters: Uncertain significance (2). Last evaluated 2025-01-09.

Conditions:
Emery-Dreifuss muscular dystrophy 5, autosomal dominant (EDMD5). Also called: EMERY-DREIFUSS MUSCULAR DYSTROPHY 5. Identifiers: Orphanet 261, MedGen C2751805, MONDO:0013072, OMIM 612999.

Allele frequency attached by ClinVar (database versions not stated): gnomAD exomes 0.00001; ExAC 0.00002; TOPMed 0.00002; gnomAD 0.00004; ESP Exome Variant Server 0.00008; 1000 Genomes Project 0.00040; 1000 Genomes Project 30x 0.00047.
gnomAD v4.1: 23 of 1,614,106 alleles (0.0014%); highest among the groups gnomAD compares: East Asian, 0.031%; no homozygotes.

Submissions (2):

Ambry Genetics
Classification: Uncertain significance. Last evaluated: 2025-01-09. Review status: criteria provided, single submitter. Criteria: Ambry Variant Classification Scheme 2023. Collection method: clinical testing. Allele origin: germline.

Labcorp Genetics (formerly Invitae), Labcorp
Classification: Uncertain significance for Emery-Dreifuss muscular dystrophy 5, autosomal dominant. Last evaluated: 2022-02-08. Review status: criteria provided, single submitter. Criteria: Invitae Variant Classification Sherloc (09022015). Collection method: clinical testing. Allele origin: germline.
Comment: This sequence change replaces arginine, which is basic and polar, with glutamine, which is neutral and polar, at codon 3563 of the SYNE2 protein (p.Arg3563Gln). This variant is present in population databases (rs201284275, gnomAD 0.02%). This variant has not been reported in the literature in individuals affected with SYNE2-related conditions. Algorithms developed to predict the effect of missense changes on protein structure and function are either unavailable or do not agree on the potential impact of this missense change (SIFT: "Tolerated"; PolyPhen-2: "Possibly Damaging"; Align-GVGD: "Class C0"). In summary, the available evidence is currently insufficient to determine the role of this variant in disease. Therefore, it has been classified as a Variant of Uncertain Significance.